The following is an entry in ClinVar:

NM_024426.6(WT1):c.1000A>G (p.Thr334Ala)

Gene: WT1 (WT1 transcription factor; minus strand). Cytogenetic location: 11p13.
Variant type: single nucleotide variant.
Coding change: c.1000A>G on transcript NM_024426.6 (MANE Select); coding-DNA position 1000, A replaced by G.
Protein change: p.Thr334Ala; replaces threonine 334 with alanine.
Molecular consequence: missense variant. On other transcripts: non-coding transcript variant (1), intron variant (2).
Genome position (GRCh38, 1-based): chr11:32,416,506, T>C on the plus strand (A>G on the coding strand, the complement: WT1 is on the minus strand). VCF-style: chr11-32416506-T-C. GRCh37 (hg19) VCF-style: chr11-32438052-T-C.
Other names: c.349A>G, p.Thr117Ala (NM_001198551.2); c.1000A>G, p.Thr334Ala (NM_001407044.1, NM_001407046.1, NM_024424.5); c.877A>G, p.Thr293Ala (NM_001407047.1); c.238A>G, p.Thr80Ala (NM_001407051.1); c.965+1071A>G (NM_000378.6); c.314+1071A>G (NM_001198552.2); short protein forms T117A, T293A, T329A, T334A, T80A.
Identifiers: ClinVar variation 1718424 (VCV001718424.6), dbSNP rs2494362170, ClinGen allele CA379961718.

ClinVar aggregate classification (germline): Uncertain significance (1 of 4 stars; one submission).

Conditions:
Wilms tumor 1 (WT1). Also called: Wilms tumor, somatic. Identifiers: Orphanet 654, MedGen CN033288, MONDO:0008679, OMIM 194070.
11p partial monosomy syndrome (WAGR). Also called: WAGR Spectrum Disorder; WAGR syndrome; WAGR Complex; CHROMOSOME 11p13 DELETION SYNDROME. Identifiers: Orphanet 893, MedGen C0206115, MONDO:0008681, OMIM 194072.
Drash syndrome (DDS). Also called: NEPHROPATHY, WILMS TUMOR, AND GENITAL ANOMALIES; WILMS TUMOR AND PSEUDO- OR TRUE HERMAPHRODITISM. Identifiers: Orphanet 220, MedGen C0950121, MONDO:0008682, OMIM 194080.
Frasier syndrome. Identifiers: Orphanet 347, MedGen C0950122, MeSH D052159, MONDO:0007635, OMIM 136680.

Submission:

Labcorp Genetics (formerly Invitae), Labcorp
Classification: Uncertain significance for Wilms tumor 1; Drash syndrome; 11p partial monosomy syndrome; Frasier syndrome. Last evaluated: 2022-08-31. Review status: criteria provided, single submitter. Criteria: Invitae Variant Classification Sherloc (09022015). Collection method: clinical testing. Allele origin: germline.
Comment: This sequence change replaces threonine, which is neutral and polar, with alanine, which is neutral and non-polar, at codon 329 of the WT1 protein (p.Thr329Ala). This variant is not present in population databases (gnomAD no frequency). In summary, the available evidence is currently insufficient to determine the role of this variant in disease. Therefore, it has been classified as a Variant of Uncertain Significance. Algorithms developed to predict the effect of sequence changes on RNA splicing suggest that this variant may disrupt the consensus splice site. Algorithms developed to predict the effect of missense changes on protein structure and function are either unavailable or do not agree on the potential impact of this missense change (SIFT: "Tolerated"; PolyPhen-2: "Possibly Damaging"; Align-GVGD: "Class C0"). This variant has not been reported in the literature in individuals affected with WT1-related conditions.